The following is an entry in ClinVar:

NM_004369.4(COL6A3):c.6355G>A (p.Gly2119Arg)

Gene: COL6A3 (collagen type VI alpha 3 chain; minus strand). Cytogenetic location: 2q37.3.
Variant type: single nucleotide variant.
Coding change: c.6355G>A on transcript NM_004369.4 (MANE Select); coding-DNA position 6355, G replaced by A.
Protein change: p.Gly2119Arg; replaces glycine 2119 with arginine.
Molecular consequence: missense variant.
Genome position (GRCh38, 1-based): chr2:237,359,088, C>T on the plus strand (G>A on the coding strand, the complement: COL6A3 is on the minus strand). VCF-style: chr2-237359088-C-T. GRCh37 (hg19) VCF-style: chr2-238267731-C-T.
Other names: c.4534G>A, p.Gly1512Arg (NM_057166.5); c.5737G>A, p.Gly1913Arg (NM_057167.4); short protein forms G1913R, G1512R, G2119R.
Identifiers: ClinVar variation 2536812 (VCV002536812.2), dbSNP rs2077379276, ClinGen allele CA351215852.

ClinVar aggregate classification (germline): Likely pathogenic (1 of 4 stars; one submission).

Conditions:
Inborn genetic diseases. Identifiers: MedGen C0950123, MeSH D030342.

Allele frequency attached by ClinVar (database versions not stated): gnomAD 0.00001.

Submission:

Ambry Genetics
Classification: Likely pathogenic for Inborn genetic diseases. Last evaluated: 2023-05-19. Review status: criteria provided, single submitter. Criteria: Ambry Variant Classification Scheme 2023. Collection method: clinical testing. Allele origin: germline.
Comment: The c.6355G>A (p.G2119R) alteration is located in exon 20 (coding exon 19) of the COL6A3 gene. This alteration results from a G to A substitution at nucleotide position 6355, causing the glycine (G) at amino acid position 2119 to be replaced by an arginine (R). This variant is expected to be causative of autosomal dominant COL6A3-related myopathy; however, its clinical significance for autosomal recessive COL6A3-related myopathy is unclear. This variant was not reported in population-based cohorts in the Genome Aggregation Database (gnomAD). This amino acid position is highly conserved in available vertebrate species. This alteration is predicted to be deleterious by in silico analysis. Based on the available evidence, this alteration is classified as likely pathogenic.